The following is an entry in ClinVar:

ClinVar aggregate classification (germline): Pathogenic (1 of 4 stars; one submission).

Conditions:
Hereditary breast ovarian cancer syndrome. Also called: BRCA1- and BRCA2-Associated Hereditary Breast and Ovarian Cancer; Hereditary breast and ovarian cancer; Hereditary breast and ovarian cancer syndrome; Hereditary breast and ovarian cancer syndrome (HBOC); Breast and ovarian cancer; Hereditary breast and/or ovarian cancer syndrome. Identifiers: Orphanet 145, MedGen C0677776, MeSH D061325, MONDO:0003582. Disease mechanism: loss of function.

Submission:

Labcorp Genetics (formerly Invitae), Labcorp
Classification: Pathogenic for Hereditary breast ovarian cancer syndrome. Last evaluated: 2022-10-28. Review status: criteria provided, single submitter. Criteria: Invitae Variant Classification Sherloc (09022015). Collection method: clinical testing. Allele origin: germline.
Comment: For these reasons, this variant has been classified as Pathogenic. Algorithms developed to predict the effect of sequence changes on RNA splicing suggest that this variant may disrupt the consensus splice site. This sequence change affects an acceptor splice site in intron 12 of the BRCA2 gene. It is expected to disrupt RNA splicing. Variants that disrupt the donor or acceptor splice site typically lead to a loss of protein function (PMID: 16199547), and loss-of-function variants in BRCA2 are known to be pathogenic (PMID: 20104584). This variant is not present in population databases (gnomAD no frequency). Disruption of this splice site has been observed in individual(s) with clinical features of BRCA2-related conditions (PMID: 10923033, 21520333, 31214711). ClinVar contains an entry for this variant (Variation ID: 1466972). Based on a multifactorial likelihood algorithm using genetic, in silico, and/or statistical data, this variant has been determined to have a high probability of being pathogenic (PMID: 31131967).

Literature cited by the submitters: PubMed 16199547; PubMed 20104584; PubMed 10923033; PubMed 21520333; PubMed 31214711; PubMed 31131967.

NM_000059.4(BRCA2):c.6938-1G>T

Gene: BRCA2 (BRCA2 DNA repair associated; plus strand). Cytogenetic location: 13q13.1.
Variant type: single nucleotide variant.
Coding change: c.6938-1G>T on transcript NM_000059.4 (MANE Select); the canonical splice acceptor site of the intron before coding-DNA position 6938, G replaced by T.
Molecular consequence: splice acceptor variant.
Genome position (GRCh38, 1-based): chr13:32,346,826, G>T. VCF-style: chr13-32346826-G-T. GRCh37 (hg19) VCF-style: chr13-32920963-G-T.
Other names: c.6938-1G>T (NM_001406720.1); c.6842-1G>T (NM_001406719.1); c.2006-1G>T (NM_001406721.1); c.521-1G>T (NM_001406722.1).
Identifiers: ClinVar variation 1466972 (VCV001466972.8), dbSNP rs886040936, ClinGen allele CA387792965.